The following is an entry in ClinVar:

NM_000312.4(PROC):c.386G>A (p.Arg129His)

Gene: PROC (protein C, inactivator of coagulation factors Va and VIIIa; plus strand). Cytogenetic location: 2q14.3.
Variant type: single nucleotide variant.
Coding change: c.386G>A on transcript NM_000312.4 (MANE Select); coding-DNA position 386, G replaced by A.
Protein change: p.Arg129His; replaces arginine 129 with histidine.
Molecular consequence: missense variant.
Genome position (GRCh38, 1-based): chr2:127,423,157, G>A. VCF-style: chr2-127423157-G-A. GRCh37 (hg19) VCF-style: chr2-128180733-G-A.
Other names: p.Arg129His; c.569G>A, p.Arg190His (NM_001375602.1); c.449G>A, p.Arg150His (NM_001375603.1, NM_001375604.1); c.386G>A, p.Arg129His (NM_001375605.1, NM_001375608.1, NM_001375611.1 and 1 more transcripts); c.541G>A, p.Ala181Thr (NM_001375606.1); c.470G>A, p.Arg157His (NM_001375607.1); c.362G>A, p.Arg121His (NM_001375609.1); c.380G>A, p.Arg127His (NM_001375610.1); short protein forms R129H, A181T, R121H, R127H, R150H, R157H, R190H.
Identifiers: ClinVar variation 627207 (VCV000627207.11), dbSNP rs746190838, ClinGen allele CA1859325.

ClinVar aggregate classification (germline): Uncertain significance. Review status: criteria provided, multiple submitters, no conflicts (2 of 4 stars). 8 submissions from 7 submitters: Uncertain significance (7). 1 of the submissions does not count toward it. Last evaluated 2024-03-25.

Conditions:
PROC-related disorder. Also called: PROC-related condition.
Thromboembolism. Identifiers: MedGen C0040038, HP:0001907.
Deep venous thrombosis. Also called: Deep vein thrombosis. Identifiers: MedGen C0149871, MeSH D020246, HP:0002625.
Thrombophilia due to protein C deficiency, autosomal recessive. Also called: PROC DEFICIENCY, AUTOSOMAL RECESSIVE; PROTEIN C DEFICIENCY, AUTOSOMAL RECESSIVE. Identifiers: Orphanet 745, MedGen C2676759, MONDO:0012860, OMIM 612304.
Thrombophilia due to protein C deficiency, autosomal dominant. Also called: PROC DEFICIENCY, AUTOSOMAL DOMINANT; PROTEIN C DEFICIENCY, AUTOSOMAL DOMINANT. Identifiers: Orphanet 745, MedGen C2674321, MONDO:0008316, OMIM 176860. Disease mechanism: loss of function.

Allele frequency attached by ClinVar (database versions not stated): gnomAD 0.00002 and 0.00003; gnomAD exomes 0.00003; TOPMed 0.00004; ExAC 0.00005.

Submissions (8):

Genomic Medicine Center of Excellence, King Faisal Specialist Hospital and Research Centre
Classification: Uncertain significance for Thrombophilia due to protein C deficiency, autosomal recessive. Last evaluated: 2024-03-25. Review status: criteria provided, single submitter. Criteria: ACMG Guidelines, 2015. Collection method: research. Allele origin: germline.

PreventionGenetics, part of Exact Sciences
Classification: Uncertain significance for PROC-related condition. Last evaluated: 2023-10-11. Review status: criteria provided, single submitter. Criteria: ACMG Guidelines, 2015. Collection method: clinical testing. Allele origin: germline.
Comment: The PROC c.386G>A variant is predicted to result in the amino acid substitution p.Arg129His. This variant was reported in the homozygous state in three siblings with protein C deficiency, and notably, their parents and sibling who were heterozygous for the variant, also showed a mild reduction in protein C activity (Soria et al. 1996. PubMed ID: 8845458). This variant was also present, apparently in the compound heterozygous state, in an unrelated patient with protein C deficiency (referred to as 3185 G>A in Reitsma et al. 1995. PubMed ID: 7482420), and was reported as a variant of uncertain significance in a bleeding, thrombotic, and plate disorders cohort study (Supplementary Table 3, Downes et al. 2019. PubMed ID: 31064749). This variant is reported in 0.0091% of alleles in individuals of African descent in gnomAD. At this time, the clinical significance of this variant is uncertain due to the absence of conclusive functional and genetic evidence.

Mayo Clinic Laboratories, Mayo Clinic
Classification: Uncertain significance. Last evaluated: 2022-09-01. Review status: criteria provided, single submitter. Criteria: ACMG Guidelines, 2015. Collection method: clinical testing. Allele origin: germline. Observed: 1 variant allele.

Fulgent Genetics
Classification: Uncertain significance for Thrombophilia due to protein C deficiency, autosomal dominant; Thrombophilia due to protein C deficiency, autosomal recessive. Last evaluated: 2022-02-14. Review status: criteria provided, single submitter. Criteria: ACMG Guidelines, 2015. Collection method: clinical testing. Allele origin: unknown.

Labcorp Genetics (formerly Invitae), Labcorp
Classification: Uncertain significance for Thrombophilia due to protein C deficiency, autosomal dominant. Last evaluated: 2022-01-17. Review status: criteria provided, single submitter. Criteria: Invitae Variant Classification Sherloc (09022015). Collection method: clinical testing. Allele origin: germline.
Comment: This sequence change replaces arginine, which is basic and polar, with histidine, which is basic and polar, at codon 129 of the PROC protein (p.Arg129His). This variant is present in population databases (rs746190838, gnomAD 0.009%). This missense change has been observed in individual(s) with clinical features of protein C deficiency (PMID: 7482420, 8845458, 31064749). This variant is also known as R87H. ClinVar contains an entry for this variant (Variation ID: 627207). Algorithms developed to predict the effect of missense changes on protein structure and function are either unavailable or do not agree on the potential impact of this missense change (SIFT: "Deleterious"; PolyPhen-2: "Possibly Damaging"; Align-GVGD: "Class C0"). In summary, the available evidence is currently insufficient to determine the role of this variant in disease. Therefore, it has been classified as a Variant of Uncertain Significance.

NIHR Bioresource Rare Diseases, University of Cambridge
Classification: Uncertain significance for Thromboembolism; Deep venous thrombosis. Last evaluated: 2019-02-01. Review status: criteria provided, single submitter. Criteria: ACMG Guidelines, 2015. Collection method: research. Allele origin: unknown. Affected: yes. Observed: 1 heterozygote. Study: ThromboGenomics.

NIHR Bioresource Rare Diseases, University of Cambridge
Classification: Uncertain significance for Deep venous thrombosis. Last evaluated: 2019-02-01. Review status: criteria provided, single submitter. Criteria: ACMG Guidelines, 2015. Collection method: research. Allele origin: unknown. Affected: yes. Observed: 1 heterozygote. Study: ThromboGenomics.

Department of Pathology and Laboratory Medicine, Sinai Health System
Classification: Uncertain significance. Review status: no assertion criteria provided. Collection method: clinical testing. Allele origin: unknown. Affected: yes. Study: The Canadian Open Genetics Repository (COGR). Not counted in ClinVar's aggregate classification.
Comment: The PROC p.Arg129His variant was not identified in the literature nor was it identified in ClinVar, Cosmic or LOVD 3.0 databases. The variant was identified in dbSNP (ID: rs746190838) and was also found in control databases in 7 of 207150 chromosomes at a frequency of 0.000034 (Genome Aggregation Database Feb 27, 2017). The variant was observed in the following populations: African in 1 of 10972 chromosomes (freq: 0.000091) and European (non-Finnish) in 6 of 88134 chromosomes (freq: 0.000068), while the variant was not observed in the Latino, Ashkenazi Jewish, East Asian, European (Finnish), Other and South Asian populations. The variant occurs outside of the splicing consensus sequence and in silico or computational prediction software programs (SpliceSiteFinder, MaxEntScan, NNSPLICE, GeneSplicer) do not predict a difference in splicing. The p.Arg129 residue is not conserved in mammals and computational analyses (PolyPhen-2, SIFT, AlignGVGD, BLOSUM, MutationTaster) provide inconsistent predictions regarding the impact to the protein; this information is not very predictive of pathogenicity. In summary, based on the above information the clinical significance of this variant cannot be determined with certainty at this time. This variant is classified as a variant of uncertain significance.

Literature cited by the submitters: PubMed 31064749 (cited by 3 submitters); PubMed 32717757 (cited by Mayo Clinic Laboratories, Mayo Clinic); PubMed 35112923 (cited by Mayo Clinic Laboratories, Mayo Clinic); PubMed 8845458 (cited by Mayo Clinic Laboratories, Mayo Clinic and Labcorp Genetics (formerly Invitae), Labcorp); PubMed 7482420 (cited by Labcorp Genetics (formerly Invitae), Labcorp).